The following is an entry in ClinVar:

NM_015443.4(KANSL1):c.727C>T (p.Gln243Ter)

Gene: KANSL1 (KAT8 regulatory NSL complex subunit 1). Cytogenetic location: 17q21.31.
Variant type: single nucleotide variant.
Coding change: c.727C>T on transcript NM_015443.4 (MANE Select); coding-DNA position 727, C replaced by T.
Protein change: p.Gln243Ter; replaces glutamine 243 with a stop codon.
Molecular consequence: nonsense.
Genome position (GRCh38, 1-based): chr17:46,171,417, G>A on the plus strand (C>T on the coding strand, the complement: KANSL1 is on the minus strand). VCF-style: chr17-46171417-G-A. GRCh37 (hg19) VCF-style: chr17-44248783-G-A.
Other names: chr17:44248783G>A; c.727C>T, p.Gln243Ter (NM_001193465.2, NM_001193466.2, NM_001379198.1); short protein forms Q243*.
Identifiers: ClinVar variation 1062873 (VCV001062873.27), dbSNP rs142096969, ClinGen allele CA399980984.

ClinVar aggregate classification (germline): Conflicting classifications of pathogenicity. Review status: criteria provided, conflicting classifications (1 of 4 stars). 3 submissions from 3 submitters: Pathogenic (1); Uncertain significance (1). 1 of the submissions does not count toward it. Last evaluated 2024-01-01.

Conditions:
Koolen-de Vries syndrome (KDVS). Identifiers: Orphanet 96169, MedGen C1864871, MONDO:0012496, OMIM 610443.

Submissions (3):

CeGaT Center for Human Genetics Tuebingen
Classification: Pathogenic. Last evaluated: 2024-01-01. Review status: criteria provided, single submitter. Criteria: CeGaT Center For Human Genetics Tuebingen Variant Classification Criteria Version 2. Collection method: clinical testing. Allele origin: germline. Affected: yes. Observed: 1 variant allele.
Comment: KANSL1: PVS1, PM2

Labcorp Genetics (formerly Invitae), Labcorp
Classification: Uncertain significance for Koolen-de Vries syndrome. Last evaluated: 2021-09-01. Review status: criteria provided, single submitter. Criteria: Invitae Variant Classification Sherloc (09022015). Collection method: clinical testing. Allele origin: germline.

Laboratory of Functional Genomics, Research Centre for Medical Genetics
Classification: Benign for Koolen-de Vries syndrome. Last evaluated: 2024-04-10. Review status: no assertion criteria provided. Collection method: clinical testing. Allele origin: maternal. Inheritance: Autosomal dominant inheritance. Affected: yes. Observed: 1 heterozygote. Not counted in ClinVar's aggregate classification.
Comment: Two variants were identified: a frameshift variant in the HNRNPU gene and a nonsense variant in the KANSL1 gene. Further investigation through WGS uncovered a common duplication involving exons 1 and 2 of the KANSL1 gene. RNA analysis confirmed the presence of this duplication and localized the KANSL1 variant within the duplicated region. Since the duplicated locus of KANSL1 is non-functional, it does not contribute to the pathological phenotype. Therefore, based on these findings, the KANSL1 variant is classified as benign.